The following is an entry in ClinVar:

ClinVar aggregate classification (germline): Benign (0 of 4 stars; one submission).

Conditions:
CDC5L-related disorder. Also called: CDC5L-related condition.

Allele frequency attached by ClinVar (database versions not stated): gnomAD exomes 0.00017; ExAC 0.00068; 1000 Genomes Project 30x 0.00172; 1000 Genomes Project 0.00180; gnomAD 0.00208; ESP Exome Variant Server 0.00215; TOPMed 0.00254.
gnomAD v4.1: 574 of 1,611,146 alleles (0.036%); highest among the groups gnomAD compares: African/African-American, 0.68%; no homozygotes.

Submission:

PreventionGenetics, part of Exact Sciences
Classification: Benign for CDC5L-related condition. Last evaluated: 2019-12-18. Review status: no assertion criteria provided. Collection method: clinical testing. Allele origin: germline.
Comment: This variant is classified as benign based on ACMG/AMP sequence variant interpretation guidelines (Richards et al. 2015 PMID: 25741868, with internal and published modifications).

NM_001253.4(CDC5L):c.915A>G (p.Ala305=)

Gene: CDC5L (cell division cycle 5 like; plus strand). Cytogenetic location: 6p21.1.
Variant type: single nucleotide variant.
Coding change: c.915A>G on transcript NM_001253.4 (MANE Select); coding-DNA position 915, A replaced by G.
Protein change: p.Ala305=; no amino-acid change (alanine 305 retained).
Molecular consequence: synonymous variant.
Genome position (GRCh38, 1-based): chr6:44,408,455, A>G. VCF-style: chr6-44408455-A-G. GRCh37 (hg19) VCF-style: chr6-44376192-A-G.
Identifiers: ClinVar variation 3040390 (VCV003040390.2), dbSNP rs141567880, ClinGen allele CA3835329.